The following is an entry in ClinVar:

ClinVar aggregate classification (germline): Uncertain significance (1 of 4 stars; one submission).

Conditions:
Primary ciliary dyskinesia 30. Also called: CILIARY DYSKINESIA, PRIMARY, 30, WITH OR WITHOUT SITUS INVERSUS. Identifiers: Orphanet 244, MedGen C4015016, MONDO:0014465, OMIM 616037.

Allele frequency attached by ClinVar (database versions not stated): gnomAD exomes below 0.00001 and 0.00001; TOPMed below 0.00001; gnomAD 0.00001.

Submission:

Labcorp Genetics (formerly Invitae), Labcorp
Classification: Uncertain significance for Primary ciliary dyskinesia 30. Last evaluated: 2024-10-08. Review status: criteria provided, single submitter. Criteria: Invitae Variant Classification Sherloc (09022015). Collection method: clinical testing. Allele origin: germline.
Comment: This sequence change replaces methionine, which is neutral and non-polar, with leucine, which is neutral and non-polar, at codon 206 of the CCDC151 protein (p.Met206Leu). This variant is present in population databases (no rsID available, gnomAD 0.006%). This variant has not been reported in the literature in individuals affected with CCDC151-related conditions. ClinVar contains an entry for this variant (Variation ID: 1009501). An algorithm developed to predict the effect of missense changes on protein structure and function outputs the following: PolyPhen-2: "Benign". The leucine amino acid residue is found in multiple mammalian species, which suggests that this missense change does not adversely affect protein function. In summary, the available evidence is currently insufficient to determine the role of this variant in disease. Therefore, it has been classified as a Variant of Uncertain Significance.

NM_145045.5(ODAD3):c.616A>C (p.Met206Leu)

Gene: ODAD3 (outer dynein arm docking complex subunit 3; minus strand). Cytogenetic location: 19p13.2.
Variant type: single nucleotide variant.
Coding change: c.616A>C on transcript NM_145045.5 (MANE Select); coding-DNA position 616, A replaced by C.
Protein change: p.Met206Leu; replaces methionine 206 with leucine.
Molecular consequence: missense variant. On other transcripts: intron variant (1).
Genome position (GRCh38, 1-based): chr19:11,426,781, T>G on the plus strand (A>C on the coding strand, the complement: ODAD3 is on the minus strand). VCF-style: chr19-11426781-T-G. GRCh37 (hg19) VCF-style: chr19-11537601-T-G.
Other names: c.454A>C, p.Met152Leu (NM_001302453.1); c.534+92A>C (NM_001302454.2); short protein forms M152L, M206L.
Identifiers: ClinVar variation 1009501 (VCV001009501.8), dbSNP rs1370329544, ClinGen allele CA404124699.